The following is an entry in ClinVar:

NM_000535.7(PMS2):c.1535G>A (p.Gly512Asp)

Gene: PMS2 (PMS1 homolog 2, mismatch repair system component; minus strand). Cytogenetic location: 7p22.1.
Variant type: single nucleotide variant.
Coding change: c.1535G>A on transcript NM_000535.7 (MANE Select); coding-DNA position 1535, G replaced by A.
Protein change: p.Gly512Asp; replaces glycine 512 with aspartic acid.
Molecular consequence: missense variant. On other transcripts: non-coding transcript variant (1).
Genome position (GRCh38, 1-based): chr7:5,987,230, C>T on the plus strand (G>A on the coding strand, the complement: PMS2 is on the minus strand). VCF-style: chr7-5987230-C-T. GRCh37 (hg19) VCF-style: chr7-6026861-C-T.
Other names: c.1130G>A, p.Gly377Asp (NM_001322003.2, NM_001322004.2, NM_001322005.2 and 1 more transcripts); c.1379G>A, p.Gly460Asp (NM_001322006.2); c.1217G>A, p.Gly406Asp (NM_001322007.2, NM_001322008.2); c.974G>A, p.Gly325Asp (NM_001322010.2); c.602G>A, p.Gly201Asp (NM_001322011.2, NM_001322012.2); c.962G>A, p.Gly321Asp (NM_001322013.2); c.1535G>A, p.Gly512Asp (NM_001322014.2); c.1226G>A, p.Gly409Asp (NM_001322015.2); short protein forms G512D, G325D, G377D, G406D, G409D, G201D, G460D, G321D.
Identifiers: ClinVar variation 480870 (VCV000480870.17), dbSNP rs1450081432, ClinGen allele CA366741645.

ClinVar aggregate classification (germline): Uncertain significance. Review status: criteria provided, multiple submitters, no conflicts (2 of 4 stars). 3 submissions from 3 submitters: Uncertain significance (3). Last evaluated 2025-12-10.

Conditions:
Hereditary nonpolyposis colorectal neoplasms. Identifiers: MedGen C0009405, MeSH D003123.
Lynch syndrome. Identifiers: Orphanet 144, MedGen C4552100, MONDO:0005835. Disease mechanism: loss of function.
Hereditary cancer-predisposing syndrome. Also called: Hereditary Cancer Syndrome; Neoplastic Syndromes, Hereditary; Tumor predisposition; Hereditary neoplastic syndrome. Identifiers: Orphanet 140162, MedGen C0027672, MeSH D009386, MONDO:0015356.

Allele frequency attached by ClinVar (database versions not stated): gnomAD exomes below 0.00001.
gnomAD v4.1: 1 of 1,614,086 alleles (0.000062%); highest among the groups gnomAD compares: Admixed American, 0.0017%; no homozygotes.

Submissions (3):

Labcorp Genetics (formerly Invitae), Labcorp
Classification: Uncertain significance for Hereditary nonpolyposis colorectal neoplasms. Last evaluated: 2025-12-10. Review status: criteria provided, single submitter. Criteria: Invitae Variant Classification Sherloc (09022015). Collection method: clinical testing. Allele origin: germline.
Comment: This sequence change replaces glycine, which is neutral and non-polar, with aspartic acid, which is acidic and polar, at codon 512 of the PMS2 protein (p.Gly512Asp). This variant is present in population databases (no rsID available, gnomAD 0.003%). This variant has not been reported in the literature in individuals affected with PMS2-related conditions. ClinVar contains an entry for this variant (Variation ID: 480870). Invitae Evidence Modeling incorporating data from in vitro experimental studies (internal data) indicates that this missense variant is not expected to disrupt PMS2 function with a negative predictive value of 95%. In summary, the available evidence is currently insufficient to determine the role of this variant in disease. Therefore, it has been classified as a Variant of Uncertain Significance.

Ambry Genetics
Classification: Uncertain significance for Hereditary cancer-predisposing syndrome. Last evaluated: 2024-06-06. Review status: criteria provided, single submitter. Criteria: Ambry Variant Classification Scheme 2023. Collection method: clinical testing. Allele origin: germline.
Comment: The p.G512D variant (also known as c.1535G>A), located in coding exon 11 of the PMS2 gene, results from a G to A substitution at nucleotide position 1535. The glycine at codon 512 is replaced by aspartic acid, an amino acid with similar properties. This amino acid position is not well conserved in available vertebrate species. In addition, this alteration is predicted to be tolerated by in silico analysis. Since supporting evidence is limited at this time, the clinical significance of this alteration remains unclear.

St. Jude Molecular Pathology, St. Jude Children's Research Hospital
Classification: Uncertain significance for Lynch syndrome. Last evaluated: 2020-12-01. Review status: criteria provided, single submitter. Criteria: St. Jude Assertion Criteria 2020. Collection method: clinical testing. Allele origin: germline.
Comment: The PMS2 c.1535G>A (p.Gly512Asp) missense change has a maximum subpopulation frequency of 0.0029% in gnomAD v2.1.1 (PM2_Supporting). Seven of seven in silico tools predict a benign effect of this variant on protein function (BP4), but these predictions have not been confirmed by functional studies. To our knowledge, this variant has not been reported in individuals with Lynch syndrome or CMMRD. In summary, this variant meets criteria to be classified as of uncertain significance based on the ACMG/AMP criteria: PM2_Supporting, BP4.